The following is an entry in ClinVar:

ClinVar aggregate classification (germline): Pathogenic (1 of 4 stars; one submission).

Conditions:
Hereditary breast ovarian cancer syndrome. Also called: Hereditary breast and ovarian cancer; Hereditary breast and/or ovarian cancer syndrome; Breast and ovarian cancer; Hereditary breast and ovarian cancer syndrome; Hereditary breast and ovarian cancer syndrome (HBOC); BRCA1- and BRCA2-Associated Hereditary Breast and Ovarian Cancer. Identifiers: Orphanet 145, MedGen C0677776, MeSH D061325, MONDO:0003582. Disease mechanism: loss of function.

Submission:

Labcorp Genetics (formerly Invitae), Labcorp
Classification: Pathogenic for Hereditary breast ovarian cancer syndrome. Last evaluated: 2022-01-03. Review status: criteria provided, single submitter. Criteria: Invitae Variant Classification Sherloc (09022015). Collection method: clinical testing. Allele origin: germline.
Comment: This variant is also known as 2732_2733insA. This premature translational stop signal has been observed in individual(s) with breast and/or ovarian cancer (PMID: 23096355, 27425403). This variant is not present in population databases (gnomAD no frequency). This sequence change creates a premature translational stop signal (p.Pro836Thrfs*2) in the BRCA2 gene. It is expected to result in an absent or disrupted protein product. Loss-of-function variants in BRCA2 are known to be pathogenic (PMID: 20104584). For these reasons, this variant has been classified as Pathogenic.

Literature cited by the submitters: PubMed 23096355; PubMed 27425403; PubMed 20104584.

NM_000059.4(BRCA2):c.2505dup (p.Pro836fs)

Gene: BRCA2 (BRCA2 DNA repair associated; plus strand). Cytogenetic location: 13q13.1.
Variant type: Duplication.
Coding change: c.2505dup on transcript NM_000059.4 (MANE Select); coding-DNA position 2505, one base duplicated (A; older notation c.2505dupA).
Protein change: p.Pro836fs; shifts the reading frame from proline 836.
Molecular consequence: frameshift variant.
Genome position (GRCh38, 1-based): chr13:32,336,860, A duplicated. VCF-style (leftmost placement, unchanged base first): chr13-32336859-C-CA. GRCh37 (hg19) VCF-style: chr13-32910996-C-CA.
Other names: short protein forms P836fs.
Identifiers: ClinVar variation 2137471 (VCV002137471.4), dbSNP rs2548524143, ClinGen allele CA658761166.